The following is an entry in ClinVar:

ClinVar aggregate classification (germline): Uncertain significance (1 of 4 stars; one submission).

Conditions:
Inborn genetic diseases. Identifiers: MedGen C0950123, MeSH D030342.

Submission:

Ambry Genetics
Classification: Uncertain significance for Inborn genetic diseases. Last evaluated: 2023-05-25. Review status: criteria provided, single submitter. Criteria: Ambry Variant Classification Scheme 2023. Collection method: clinical testing. Allele origin: germline.
Comment: The p.R39G variant (also known as c.115C>G), located in coding exon 1 of the ACD gene, results from a C to G substitution at nucleotide position 115. The arginine at codon 39 is replaced by glycine, an amino acid with dissimilar properties. This amino acid position is conserved. In addition, this alteration is predicted to be tolerated by in silico analysis. Since supporting evidence is limited at this time, the clinical significance of this alteration remains unclear.

NM_001082486.1(ACD):c.115C>G (p.Arg39Gly)

Genes: ACD (ACD shelterin complex subunit and telomerase recruitment factor; minus strand), LOC130059224 (ATAC-STARR-seq lymphoblastoid silent region 7617; plus strand). Cytogenetic location: 16q22.1.
Variant type: single nucleotide variant.
Coding change: c.115C>G on transcript NM_001082486.1; coding-DNA position 115, C replaced by G.
Protein change: p.Arg39Gly; replaces arginine 39 with glycine.
Genome position (GRCh38, 1-based): chr16:67,660,364, G>C on the plus strand (C>G on the coding strand, the complement: ACD is on the minus strand). VCF-style: chr16-67660364-G-C. GRCh37 (hg19) VCF-style: chr16-67694267-G-C.
Other names: short protein forms R39G.
Identifiers: ClinVar variation 2562314 (VCV002562314.2), dbSNP rs779396245, ClinGen allele CA396359730.